The following is an entry in ClinVar:

NM_001083961.2(WDR62):c.1589dup (p.Glu531fs)

Gene: WDR62 (WD repeat domain 62; plus strand). Cytogenetic location: 19q13.12.
Variant type: Duplication.
Coding change: c.1589dup on transcript NM_001083961.2 (MANE Select); coding-DNA position 1589, one base duplicated (T; older notation c.1589dupT).
Protein change: p.Glu531fs; shifts the reading frame from glutamic acid 531.
Molecular consequence: frameshift variant.
Genome position (GRCh38, 1-based): chr19:36,084,691, T duplicated. VCF-style (leftmost placement, unchanged base first): chr19-36084690-G-GT. GRCh37 (hg19) VCF-style: chr19-36575592-G-GT.
Other names: NM_173636.5:c.1589dup; c.1574dup, p.Glu526Glyfs (NM_001411145.1); c.1589dup, p.Glu531Glyfs (NM_001411146.1); c.1238dup, p.Glu414Glyfs (NM_001411147.1); c.1589dup, p.Glu531fs (NM_173636.5); short protein forms E531fs.
Identifiers: ClinVar variation 2412764 (VCV002412764.1), dbSNP rs2513591500, ClinGen allele CA2573332509.

ClinVar aggregate classification (germline): Likely pathogenic (1 of 4 stars; one submission).

Conditions:
Microcephaly 2, primary, autosomal recessive, with or without cortical malformations. Also called: MICROCEPHALY 2, PRIMARY, AUTOSOMAL RECESSIVE, WITH CORTICAL MALFORMATIONS; WDR62 Primary Microcephaly. Identifiers: Orphanet 2512, MedGen C1858535, MONDO:0011435, OMIM 604317.

Submission:

Broad Center for Mendelian Genomics, Broad Institute of MIT and Harvard
Classification: Likely pathogenic for Microcephaly 2, primary, autosomal recessive, with or without cortical malformations. Last evaluated: 2023-01-25. Review status: criteria provided, single submitter. Criteria: ACMG Guidelines, 2015. Collection method: curation. Allele origin: germline. Inheritance: Autosomal recessive inheritance.
Comment: The homozygous p.Glu531GlyfsTer4 variant in WDR62 was identified by our study in two siblings with microcephaly, intellectual disability, and seizure. The p.Glu531GlyfsTer4 variant in WDR62 has not been previously reported in individuals with primary microcephaly 2 with or without cortical malformations. This variant was absent from large population studies. This variant is predicted to cause a frameshift, which alters the protein‚Äôs amino acid sequence beginning at position 531 and leads to a premature termination codon 4 amino acids downstream. This alteration is then predicted to lead to a truncated or absent protein. Loss of function of WDR62 gene is strongly associated with autosomal recessive primary microcephaly 2 with or without cortical malformations. In summary, although additional studies are required to fully establish its clinical significance, this variant is likely pathogenic for primary microcephaly 2 with or without cortical malformations. ACMG/AMP Criteria applied: PVS1_Strong, PM2_Supporting, PM3_Supporting (Richards 2015).